The following is an entry in ClinVar:

NM_024685.4(BBS10):c.521T>G (p.Leu174Ter)

Gene: BBS10 (Bardet-Biedl syndrome 10; minus strand). Cytogenetic location: 12q21.2.
Variant type: single nucleotide variant.
Coding change: c.521T>G on transcript NM_024685.4 (MANE Select); coding-DNA position 521, T replaced by G.
Protein change: p.Leu174Ter; replaces leucine 174 with a stop codon.
Molecular consequence: nonsense.
Genome position (GRCh38, 1-based): chr12:76,347,464, A>C on the plus strand (T>G on the coding strand, the complement: BBS10 is on the minus strand). VCF-style: chr12-76347464-A-C. GRCh37 (hg19) VCF-style: chr12-76741244-A-C.
Other names: short protein forms L174*.
Identifiers: ClinVar variation 4816166 (VCV004816166.1).

ClinVar aggregate classification (germline): Likely pathogenic (1 of 4 stars; one submission).

Conditions:
Bardet-Biedl syndrome 10 (BBS10). Identifiers: Orphanet 110, MedGen C1859568, MONDO:0014438, OMIM 615987.

Submission:

Natera, Inc.
Classification: Likely pathogenic for Bardet-Biedl syndrome type 10. Last evaluated: 2024-09-12. Review status: criteria provided, single submitter. Criteria: Natera Variant Classification Schema (03/2026). Collection method: clinical testing. Allele origin: germline.
Comment: The c.521T>G variant in BBS10 is a nonsense variant predicted to introduce a stop codon at amino acid 174. This variant is expected to result in nonsense mediated decay, truncation, or a dysfunctional protein product. This variant is rare in the general population with a frequency below the threshold expected for the associated phenotype(s). Given the available evidence, this variant is classified as Likely Pathogenic.